The following is an entry in ClinVar:

ClinVar aggregate classification (germline): Uncertain significance. Review status: criteria provided, multiple submitters, no conflicts (2 of 4 stars). 6 submissions from 6 submitters: Uncertain significance (6). Last evaluated 2024-06-19.

Conditions:
Inborn genetic diseases. Identifiers: MedGen C0950123, MeSH D030342.
Neuropathy, hereditary motor and sensory, type 6B (HMSN6B). Also called: HMSN VIB; CHARCOT-MARIE-TOOTH DISEASE, TYPE 6B; Neuropathy, hereditary motor and sensory, type VIB; NEUROPATHY, HEREDITARY MOTOR AND SENSORY, TYPE VIB, WITH OPTIC ATROPHY. Identifiers: MedGen C4225302, MONDO:0014671, OMIM 616505.

Allele frequency attached by ClinVar (database versions not stated): ExAC 0.00002; gnomAD exomes 0.00003; ESP Exome Variant Server 0.00008; TOPMed 0.00010.
gnomAD v4.1: 103 of 1,575,326 alleles (0.0065%); highest among the groups gnomAD compares: Non-Finnish European, 0.0084%; no homozygotes.

Submissions (6):

Blueprint Genetics
Classification: Uncertain significance. Last evaluated: 2024-06-19. Review status: criteria provided, single submitter. Criteria: ACMG Guidelines, 2015. Collection method: clinical testing. Allele origin: germline.

Ambry Genetics
Classification: Uncertain significance for Inborn genetic diseases. Last evaluated: 2023-08-02. Review status: criteria provided, single submitter. Criteria: Ambry Variant Classification Scheme 2023. Collection method: clinical testing. Allele origin: germline.

CeGaT Center for Human Genetics Tuebingen
Classification: Uncertain significance. Last evaluated: 2023-01-01. Review status: criteria provided, single submitter. Criteria: CeGaT Center For Human Genetics Tuebingen Variant Classification Criteria Version 2. Collection method: clinical testing. Allele origin: germline. Affected: yes. Observed: 1 variant allele.
Comment: SLC25A46: PM2

Labcorp Genetics (formerly Invitae), Labcorp
Classification: Uncertain significance for Neuropathy, hereditary motor and sensory, type 6B. Last evaluated: 2022-05-31. Review status: criteria provided, single submitter. Criteria: Invitae Variant Classification Sherloc (09022015). Collection method: clinical testing. Allele origin: germline.
Comment: This sequence change replaces isoleucine, which is neutral and non-polar, with threonine, which is neutral and polar, at codon 105 of the SLC25A46 protein (p.Ile105Thr). This variant is present in population databases (rs375056013, gnomAD 0.008%). This variant has not been reported in the literature in individuals affected with SLC25A46-related conditions. ClinVar contains an entry for this variant (Variation ID: 836468). Algorithms developed to predict the effect of missense changes on protein structure and function (SIFT, PolyPhen-2, Align-GVGD) all suggest that this variant is likely to be disruptive. In summary, the available evidence is currently insufficient to determine the role of this variant in disease. Therefore, it has been classified as a Variant of Uncertain Significance.

GeneDx
Classification: Uncertain significance. Last evaluated: 2022-01-24. Review status: criteria provided, single submitter. Criteria: GeneDx Variant Classification Process June 2021. Collection method: clinical testing. Allele origin: germline. Affected: yes.
Comment: Not observed at significant frequency in large population cohorts (gnomAD); In silico analysis supports that this missense variant has a deleterious effect on protein structure/function; Has not been previously published as pathogenic or benign to our knowledge

Mayo Clinic Laboratories, Mayo Clinic
Classification: Uncertain significance. Last evaluated: 2020-07-16. Review status: criteria provided, single submitter. Criteria: ACMG Guidelines, 2015. Collection method: clinical testing. Allele origin: germline. Observed: 1 variant allele.

NM_138773.4(SLC25A46):c.314T>C (p.Ile105Thr)

Gene: SLC25A46 (solute carrier family 25 member 46; plus strand). Cytogenetic location: 5q22.1.
Variant type: single nucleotide variant.
Coding change: c.314T>C on transcript NM_138773.4 (MANE Select); coding-DNA position 314, T replaced by C.
Protein change: p.Ile105Thr; replaces isoleucine 105 with threonine.
Molecular consequence: missense variant. On other transcripts: non-coding transcript variant (1).
Genome position (GRCh38, 1-based): chr5:110,742,077, T>C. VCF-style: chr5-110742077-T-C. GRCh37 (hg19) VCF-style: chr5-110077778-T-C.
Other names: c.314T>C, p.Ile105Thr (NM_001303249.3); c.41T>C, p.Ile14Thr (NM_001303250.3); short protein forms I14T, I105T.
Identifiers: ClinVar variation 836468 (VCV000836468.38), dbSNP rs375056013, ClinGen allele CA3364534.